The following is an entry in ClinVar:

ClinVar aggregate classification (germline): Uncertain significance (1 of 4 stars; one submission).

Conditions:
Inborn genetic diseases. Identifiers: MedGen C0950123, MeSH D030342.

Submission:

Ambry Genetics
Classification: Uncertain significance for Inborn genetic diseases. Last evaluated: 2019-12-30. Review status: criteria provided, single submitter. Criteria: Ambry Variant Classification Scheme 2023. Collection method: clinical testing. Allele origin: germline.
Comment: The p.N235H variant (also known as c.703A>C), located in coding exon 2 of the HOXA1 gene, results from an A to C substitution at nucleotide position 703. The asparagine at codon 235 is replaced by histidine, an amino acid with similar properties. This amino acid position is highly conserved in available vertebrate species. In addition, the in silico prediction for this alteration is inconclusive. Since supporting evidence is limited at this time, the clinical significance of this alteration remains unclear.

NM_005522.5(HOXA1):c.703A>C (p.Asn235His)

Gene: HOXA1 (homeobox A1; minus strand). Cytogenetic location: 7p15.2.
Variant type: single nucleotide variant.
Coding change: c.703A>C on transcript NM_005522.5 (MANE Select); coding-DNA position 703, A replaced by C.
Protein change: p.Asn235His; replaces asparagine 235 with histidine.
Molecular consequence: missense variant. On other transcripts: 3 prime UTR variant (1).
Genome position (GRCh38, 1-based): chr7:27,094,745, T>G on the plus strand (A>C on the coding strand, the complement: HOXA1 is on the minus strand). VCF-style: chr7-27094745-T-G. GRCh37 (hg19) VCF-style: chr7-27134364-T-G.
Other names: c.*86A>C (NM_153620.3); short protein forms N235H.
Identifiers: ClinVar variation 1756815 (VCV001756815.2), dbSNP rs2534496750, ClinGen allele CA367067948.
Genomic context (GRCh38, chr7:27,094,745, plus strand): 5'-TCAGGTACTTGTTGAAGTGGAACTCCTTCTCCAGTTCCGTGAGCTGCTTGGTAGTGAAGT[T>G]GGTGCGCACCGCGTTGGGTTGACCCAGGTAGCCGTACTCTCCAACTTTCCCTGGGGCAAA-3'
Protein context (NP_005513.2, residues 225-245): YLGQPNAVRT[Asn235His]FTTKQLTELE